The following is an entry in ClinVar:

ClinVar aggregate classification (germline): Likely benign. Review status: criteria provided, multiple submitters, no conflicts (2 of 4 stars). 4 submissions from 4 submitters: Likely benign (3). 1 of the submissions does not count toward it. Last evaluated 2026-05-01.

Conditions:
RREB1-related disorder. Also called: RREB1-related condition.

Allele frequency attached by ClinVar (database versions not stated): 1000 Genomes Project 30x 0.00031; 1000 Genomes Project 0.00040; gnomAD 0.00040 and 0.00043; TOPMed 0.00040; ESP Exome Variant Server 0.00054.
gnomAD v4.1: 108 of 1,592,352 alleles (0.0068%); highest among the groups gnomAD compares: African/African-American, 0.13%; no homozygotes.

Submissions (4):

CeGaT Center for Human Genetics Tuebingen
Classification: Likely benign. Last evaluated: 2026-05-01. Review status: criteria provided, single submitter. Criteria: CeGaT Center For Human Genetics Tuebingen Variant Classification Criteria Version 2. Collection method: clinical testing. Allele origin: germline. Affected: yes. Observed: 1 variant allele.
Comment: RREB1: BP4, BP7, BS1

Labcorp Genetics (formerly Invitae), Labcorp
Classification: Likely benign. Last evaluated: 2018-04-06. Review status: criteria provided, single submitter. Criteria: Invitae Variant Classification Sherloc (09022015). Collection method: clinical testing. Allele origin: germline.

Breakthrough Genomics
Classification: Likely benign. Review status: criteria provided, single submitter. Criteria: ACMG Guidelines, 2015. Collection method: not provided. Allele origin: germline. Inheritance: Unknown mechanism. Affected: yes.

PreventionGenetics, part of Exact Sciences
Classification: Likely benign for RREB1-related condition. Last evaluated: 2019-04-01. Review status: no assertion criteria provided. Collection method: clinical testing. Allele origin: germline. Not counted in ClinVar's aggregate classification.
Comment: This variant is classified as likely benign based on ACMG/AMP sequence variant interpretation guidelines (Richards et al. 2015 PMID: 25741868, with internal and published modifications).

NM_001003699.4(RREB1):c.2271G>C (p.Leu757=)

Gene: RREB1 (ras responsive element binding protein 1; plus strand). Cytogenetic location: 6p24.3.
Variant type: single nucleotide variant.
Coding change: c.2271G>C on transcript NM_001003699.4 (MANE Select); coding-DNA position 2271, G replaced by C.
Protein change: p.Leu757=; no amino-acid change (leucine 757 retained).
Molecular consequence: synonymous variant.
Genome position (GRCh38, 1-based): chr6:7,230,370, G>C. VCF-style: chr6-7230370-G-C. GRCh37 (hg19) VCF-style: chr6-7230603-G-C.
Other names: c.2271G>C, p.Leu757= (NM_001003698.4, NM_001003700.2, NM_001168344.2).
Identifiers: ClinVar variation 790574 (VCV000790574.8), dbSNP rs144788619, ClinGen allele CA3625758.